The following is an entry in ClinVar:

NM_021100.5(NFS1):c.47C>T (p.Ala16Val)

Gene: NFS1 (NFS1 cysteine desulfurase; minus strand). Cytogenetic location: 20q11.22.
Variant type: single nucleotide variant.
Coding change: c.47C>T on transcript NM_021100.5 (MANE Select); coding-DNA position 47, C replaced by T.
Protein change: p.Ala16Val; replaces alanine 16 with valine.
Molecular consequence: missense variant. On other transcripts: non-coding transcript variant (1).
Genome position (GRCh38, 1-based): chr20:35,699,242, G>A on the plus strand (C>T on the coding strand, the complement: NFS1 is on the minus strand). VCF-style: chr20-35699242-G-A. GRCh37 (hg19) VCF-style: chr20-34287164-G-A.
Other names: c.47C>T, p.Ala16Val (NM_001198989.2); short protein forms A16V.
Identifiers: ClinVar variation 4813228 (VCV004813228.1).

ClinVar aggregate classification (germline): Uncertain significance (1 of 4 stars; one submission).

Submission:

GeneDx
Classification: Uncertain significance. Last evaluated: 2025-09-07. Review status: criteria provided, single submitter. Criteria: GeneDx Variant Classification Process June 2021. Collection method: clinical testing. Allele origin: germline. Affected: yes.
Comment: Not observed at significant frequency in large population cohorts (gnomAD); In silico analysis suggests that this missense variant does not alter protein structure/function; Has not been previously published as pathogenic or benign to our knowledge